The following is an entry in ClinVar:

ClinVar aggregate classification (germline): Uncertain significance (1 of 4 stars; one submission).

gnomAD v4.1: 8 of 1,614,136 alleles (0.0005%); highest among the groups gnomAD compares: South Asian, 0.0088%; no homozygotes.

Submission:

Labcorp Genetics (formerly Invitae), Labcorp
Classification: Uncertain significance. Last evaluated: 2025-07-01. Review status: criteria provided, single submitter. Criteria: Invitae Variant Classification Sherloc (09022015). Collection method: clinical testing. Allele origin: germline.
Comment: This sequence change replaces alanine, which is neutral and non-polar, with threonine, which is neutral and polar, at codon 352 of the PITPNM3 protein (p.Ala352Thr). This variant is present in population databases (rs761499846, gnomAD 0.003%). This variant has not been reported in the literature in individuals affected with PITPNM3-related conditions. Invitae Evidence Modeling of protein sequence and biophysical properties (such as structural, functional, and spatial information, amino acid conservation, physicochemical variation, residue mobility, and thermodynamic stability) indicates that this missense variant is not expected to disrupt PITPNM3 protein function with a negative predictive value of 80%. In summary, the available evidence is currently insufficient to determine the role of this variant in disease. Therefore, it has been classified as a Variant of Uncertain Significance.

NM_031220.4(PITPNM3):c.1054G>A (p.Ala352Thr)

Gene: PITPNM3 (PITPNM family member 3; minus strand). Cytogenetic location: 17p13.2.
Variant type: single nucleotide variant.
Coding change: c.1054G>A on transcript NM_031220.4 (MANE Select); coding-DNA position 1054, G replaced by A.
Protein change: p.Ala352Thr; replaces alanine 352 with threonine.
Molecular consequence: missense variant.
Genome position (GRCh38, 1-based): chr17:6,477,060, C>T on the plus strand (G>A on the coding strand, the complement: PITPNM3 is on the minus strand). VCF-style: chr17-6477060-C-T. GRCh37 (hg19) VCF-style: chr17-6380380-C-T.
Other names: c.946G>A, p.Ala316Thr (NM_001165966.2); short protein forms A352T, A316T.
Identifiers: ClinVar variation 4779936 (VCV004779936.1).